The following is an entry in ClinVar:

NM_004208.4(AIFM1):c.1574G>A (p.Gly525Glu)

Genes: AIFM1 (apoptosis inducing factor mitochondria associated 1; minus strand), RAB33A (RAB33A, member RAS oncogene family; plus strand). Cytogenetic location: Xq26.1.
Variant type: single nucleotide variant.
Coding change: c.1574G>A on transcript NM_004208.4 (MANE Select); coding-DNA position 1574, G replaced by A.
Protein change: p.Gly525Glu; replaces glycine 525 with glutamic acid.
Molecular consequence: missense variant. On other transcripts: 3 prime UTR variant (1), non-coding transcript variant (1).
Genome position (GRCh38, 1-based): chrX:130,130,166, C>T on the plus strand (G>A on the coding strand, the complement: AIFM1 is on the minus strand). VCF-style: chrX-130130166-C-T. GRCh37 (hg19) VCF-style: chrX-129264141-C-T.
Other names: c.557G>A, p.Gly186Glu (NM_001130846.4); c.*802G>A (NM_001130847.4); c.1562G>A, p.Gly521Glu (NM_145812.3); short protein forms G525E, G186E, G521E.
Identifiers: ClinVar variation 452014 (VCV000452014.3), dbSNP rs1556252472, ClinGen allele CA414569938.

ClinVar aggregate classification (germline): Uncertain significance (1 of 4 stars; one submission).

Submission:

GeneDx
Classification: Uncertain significance. Last evaluated: 2020-10-06. Review status: criteria provided, single submitter. Criteria: GeneDx Variant Classification Process June 2021. Collection method: clinical testing. Allele origin: germline. Affected: yes.
Comment: Not observed in large population cohorts (Lek et al., 2016); In silico analysis supports that this missense variant has a deleterious effect on protein structure/function; Has not been previously published as pathogenic or benign to our knowledge; In-silico analysis is inconclusive as to whether the variant alters gene splicing. In the absence of RNA/functional studies, the actual effect of this sequence change is unknown.